The following is an entry in ClinVar:

ClinVar aggregate classification (germline): Uncertain significance (1 of 4 stars; one submission).

Conditions:
Hereditary cancer-predisposing syndrome. Also called: Tumor predisposition; Hereditary Cancer Syndrome; Hereditary neoplastic syndrome; Neoplastic Syndromes, Hereditary. Identifiers: Orphanet 140162, MedGen C0027672, MeSH D009386, MONDO:0015356.

Submission:

Ambry Genetics
Classification: Uncertain significance for Hereditary cancer-predisposing syndrome. Last evaluated: 2024-04-14. Review status: criteria provided, single submitter. Criteria: Ambry Variant Classification Scheme 2023. Collection method: clinical testing. Allele origin: germline.
Comment: The p.Q239H variant (also known as c.717A>C), located in coding exon 7 of the EPCAM gene, results from an A to C substitution at nucleotide position 717. The glutamine at codon 239 is replaced by histidine, an amino acid with highly similar properties. This amino acid position is conserved. In addition, this alteration is predicted to be tolerated by in silico analysis. Based on the available evidence, the clinical significance of this variant remains unclear.

NM_002354.3(EPCAM):c.717A>C (p.Gln239His)

Gene: EPCAM (epithelial cell adhesion molecule; plus strand). Cytogenetic location: 2p21.
Variant type: single nucleotide variant.
Coding change: c.717A>C on transcript NM_002354.3 (MANE Select); coding-DNA position 717, A replaced by C.
Protein change: p.Gln239His; replaces glutamine 239 with histidine.
Molecular consequence: missense variant.
Genome position (GRCh38, 1-based): chr2:47,379,828, A>C. VCF-style: chr2-47379828-A-C. GRCh37 (hg19) VCF-style: chr2-47606967-A-C.
Other names: short protein forms Q239H.
Identifiers: ClinVar variation 3275835 (VCV003275835.1).
Genomic context (GRCh38, chr2:47,379,828, plus strand): 5'-GGTTAAAGGTGAATCCTTGTTTCATTCTAAGAAAATGGACCTGACAGTAAATGGGGAACA[A>C]CTGGATCTGGATCCTGGTCAAACTTTAATTTATTATGTTGATGAAAAAGCACCTGAATTC-3'
Protein context (NP_002345.2, residues 229-249): KKMDLTVNGE[Gln239His]LDLDPGQTLI